The following is an entry in ClinVar:

NM_145064.3(STAC3):c.545G>A (p.Arg182His)

Gene: STAC3 (SH3 and cysteine rich domain 3; minus strand). Cytogenetic location: 12q13.3.
Variant type: single nucleotide variant.
Coding change: c.545G>A on transcript NM_145064.3 (MANE Select); coding-DNA position 545, G replaced by A.
Protein change: p.Arg182His; replaces arginine 182 with histidine.
Molecular consequence: missense variant. On other transcripts: 5 prime UTR variant (1), non-coding transcript variant (1).
Genome position (GRCh38, 1-based): chr12:57,246,862, C>T on the plus strand (G>A on the coding strand, the complement: STAC3 is on the minus strand). VCF-style: chr12-57246862-C-T. GRCh37 (hg19) VCF-style: chr12-57640645-C-T.
Other names: c.428G>A, p.Arg143His (NM_001286256.2); c.-14G>A (NM_001286257.2); c.545G>A (NM_145064.2, NM_145064.1); short protein forms R182H, R143H.
Identifiers: ClinVar variation 1519238 (VCV001519238.5), dbSNP rs200605475, ClinGen allele CA6647096.

ClinVar aggregate classification (germline): Uncertain significance. Review status: criteria provided, multiple submitters, no conflicts (2 of 4 stars). 3 submissions from 3 submitters: Uncertain significance (3). Last evaluated 2025-03-18.

Conditions:
Bailey-Bloch congenital myopathy (CMYO13). Also called: Native American myopathy; Congenital myopathy 13; STAC3 disorder. Identifiers: Orphanet 168572, MedGen C1850625, MONDO:0009722, OMIM 255995.
Inborn genetic diseases. Identifiers: MedGen C0950123, MeSH D030342.

Allele frequency attached by ClinVar (database versions not stated): gnomAD 0.00005; TOPMed 0.00006; gnomAD exomes 0.00007 and 0.00008; ExAC 0.00009; 1000 Genomes Project 30x 0.00016; 1000 Genomes Project 0.00020.
gnomAD v4.1: 102 of 1,613,886 alleles (0.0063%); highest among the groups gnomAD compares: Admixed American, 0.027%; no homozygotes.

Submissions (3):

GeneDx
Classification: Uncertain significance. Last evaluated: 2025-03-18. Review status: criteria provided, single submitter. Criteria: GeneDx Variant Classification Process June 2021. Collection method: clinical testing. Allele origin: germline. Affected: yes.
Comment: In silico analysis supports that this missense variant has a deleterious effect on protein structure/function; Has not been previously published as pathogenic or benign to our knowledge

Ambry Genetics
Classification: Uncertain significance for Inborn genetic diseases. Last evaluated: 2024-01-03. Review status: criteria provided, single submitter. Criteria: Ambry Variant Classification Scheme 2023. Collection method: clinical testing. Allele origin: germline.

Labcorp Genetics (formerly Invitae), Labcorp
Classification: Uncertain significance for Bailey-Bloch congenital myopathy. Last evaluated: 2022-08-21. Review status: criteria provided, single submitter. Criteria: Invitae Variant Classification Sherloc (09022015). Collection method: clinical testing. Allele origin: germline.
Comment: This sequence change replaces arginine, which is basic and polar, with histidine, which is basic and polar, at codon 182 of the STAC3 protein (p.Arg182His). This variant is present in population databases (rs200605475, gnomAD 0.02%). This variant has not been reported in the literature in individuals affected with STAC3-related conditions. ClinVar contains an entry for this variant (Variation ID: 1519238). Algorithms developed to predict the effect of missense changes on protein structure and function (SIFT, PolyPhen-2, Align-GVGD) all suggest that this variant is likely to be disruptive. In summary, the available evidence is currently insufficient to determine the role of this variant in disease. Therefore, it has been classified as a Variant of Uncertain Significance.